The following is an entry in ClinVar:

NM_001035.3(RYR2):c.7160C>T (p.Ala2387Val)

Gene: RYR2 (ryanodine receptor 2; plus strand). Cytogenetic location: 1q43.
Variant type: single nucleotide variant.
Coding change: c.7160C>T on transcript NM_001035.3 (MANE Select); coding-DNA position 7160, C replaced by T.
Protein change: p.Ala2387Val; replaces alanine 2387 with valine.
Molecular consequence: missense variant.
Genome position (GRCh38, 1-based): chr1:237,640,941, C>T. VCF-style: chr1-237640941-C-T. GRCh37 (hg19) VCF-style: chr1-237804241-C-T.
Other names: p.A2387V:GCG>GTG; c.7160C>T, p.Ala2387Val (LRG_402t1); short protein forms A2387V.
Identifiers: ClinVar variation 201277 (VCV000201277.23), dbSNP rs794728754, ClinGen allele CA010582.

ClinVar aggregate classification (germline): Pathogenic/Likely pathogenic. Review status: criteria provided, multiple submitters, no conflicts (2 of 4 stars). 4 submissions from 4 submitters: Pathogenic (2); Likely pathogenic (2). Last evaluated 2025-12-22.

Conditions:
Cardiovascular phenotype. Identifiers: MedGen CN230736.
Arrhythmogenic right ventricular dysplasia 2. Identifiers: MedGen C1832931.
Catecholaminergic polymorphic ventricular tachycardia 1. Also called: RYR2-Related Catecholaminergic Polymorphic Ventricular Tachycardia; VENTRICULAR TACHYCARDIA, CATECHOLAMINERGIC POLYMORPHIC, 1, WITH OR WITHOUT ATRIAL DYSFUNCTION AND/OR DILATED CARDIOMYOPATHY; VENTRICULAR TACHYCARDIA, STRESS-INDUCED POLYMORPHIC 1. Identifiers: Orphanet 3286, MedGen C1631597, MONDO:0011484, OMIM 604772.

Allele frequency attached by ClinVar (database versions not stated): gnomAD exomes below 0.00001.
gnomAD v4.1: 3 of 1,613,580 alleles (0.00019%); highest among the groups gnomAD compares: Non-Finnish European, 0.00025%; no homozygotes.

Submissions (4):

Ambry Genetics
Classification: Likely pathogenic for Cardiovascular phenotype. Last evaluated: 2025-12-22. Review status: criteria provided, single submitter. Criteria: Ambry Variant Classification Scheme 2023. Collection method: clinical testing. Allele origin: germline.
Comment: The p.A2387V variant (also known as c.7160C>T), located in coding exon 47 of the RYR2 gene, results from a C to T substitution at nucleotide position 7160. The alanine at codon 2387 is replaced by valine, an amino acid with similar properties. This variant was reported in individual(s) with features consistent with catecholaminergic polymorphic ventricular tachycardia (CPVT) (Haugaa KH et al. Europace, 2010 Mar;12:417-23; Kawamura M et al. Circ. J., 2013 Apr;77:1705-13; Broendberg AK et al. Heart, 2017 06;103:901-909; Miyata K et al. Intern. Med., 2018 Jul;57:1813-1817; Kapplinger JD et al. Circ Genom Precis Med, 2018 02;11:e001424). Another alteration at the same codon, p.A2387T (c.7159G>A), has been reported in association with CPVT (Hayashi M et al. Circulation, 2009 May;119:2426-34). This amino acid position is highly conserved in available vertebrate species. In addition, this alteration is predicted to be deleterious by in silico analysis. This variant is considered to be rare based on population cohorts in the Genome Aggregation Database (gnomAD). Based on the majority of available evidence to date, this variant is likely to be pathogenic.

Labcorp Genetics (formerly Invitae), Labcorp
Classification: Pathogenic for Catecholaminergic polymorphic ventricular tachycardia 1. Last evaluated: 2025-07-27. Review status: criteria provided, single submitter. Criteria: Invitae Variant Classification Sherloc (09022015). Collection method: clinical testing. Allele origin: germline.
Comment: This sequence change replaces alanine, which is neutral and non-polar, with valine, which is neutral and non-polar, at codon 2387 of the RYR2 protein (p.Ala2387Val). This variant is not present in population databases (gnomAD no frequency). This missense change has been observed in individuals with autosomal dominant catecholaminergic polymorphic ventricular tachycardia (PMID: 20106799, 23595086, 28237968). ClinVar contains an entry for this variant (Variation ID: 201277). Invitae Evidence Modeling of protein sequence and biophysical properties (such as structural, functional, and spatial information, amino acid conservation, physicochemical variation, residue mobility, and thermodynamic stability) indicates that this missense variant is expected to disrupt RYR2 protein function with a positive predictive value of 95%. This variant disrupts the p.Ala2387 amino acid residue in RYR2. Other variant(s) that disrupt this residue have been determined to be pathogenic (PMID: 16188589, 19398665, 28237968, 28600387). This suggests that this residue is clinically significant, and that variants that disrupt this residue are likely to be disease-causing. For these reasons, this variant has been classified as Pathogenic.

Victorian Clinical Genetics Services, Murdoch Childrens Research Institute
Classification: Pathogenic for Catecholaminergic polymorphic ventricular tachycardia 1. Last evaluated: 2022-09-02. Review status: criteria provided, single submitter. Criteria: ACMG Guidelines, 2015. Collection method: clinical testing. Allele origin: germline. Inheritance: Autosomal dominant inheritance. Affected: yes.
Comment: Based on the classification scheme VCGS_Germline_v1.3.4, this variant is classified as Pathogenic. Following criteria are met: 0103 - Dominant negative and gain of function are known mechanisms of disease in this gene and are associated with catecholaminergic polymorphic ventricular tachycardia 1 (MIM#604772) and left ventricular non-compaction (PMIDs: 12459180, 27646203, 29477366, 31875585, 33500567). (I) 0107 - This gene is associated with autosomal dominant disease. (I) 0112 - The condition associated with this gene has incomplete penetrance. Penetrance for CPVT is estimated to be 60-70% (PMID: 23549275). (I) 0200 - Variant is predicted to result in a missense amino acid change from alanine to valine. (I) 0251 - This variant is heterozygous. (I) 0301 - Variant is absent from gnomAD (both v2 and v3). (SP) 0501 - Missense variant consistently predicted to be damaging by multiple in silico tools or highly conserved with a major amino acid change. (SP) 0703 - Other missense variants comparable to the one identified in this case have moderate previous evidence for pathogenicity. Changes to proline and threonine have also been regarded as likely pathogenic and pathogenic and reported in multiple individuals with catecholaminergic polymorphic ventricular tachycardia (ClinVar, LOVD, PMIDs: 29453246, 28237968, 29434162, 27538377, 22221940). (SP) 0801 - This variant has strong previous evidence of pathogenicity in unrelated individuals. It has been reported in multiple individuals with catecholaminergic polymorphic ventricular tachycardia (ClinVar, PMIDs: 20106799, 29434162, 23595086, 28237968). (SP) 1208 - Inheritance information for this variant is not currently available in this individual. (I) Legend: (SP) - Supporting pathogenic, (I) - Information, (SB) - Supporting benign

GeneDx
Classification: Likely pathogenic. Last evaluated: 2018-12-07. Review status: criteria provided, single submitter. Criteria: GeneDx Variant Classification (06012015). Collection method: clinical testing. Allele origin: germline. Affected: yes.
Comment: The A2387V variant that is likely pathogenic was identified in the RYR2 gene. This variant has previously been published in association with CPVT (Haugaa et al., 2010; Kawamura et al., 2013). The A2387V variant was absent from 400 Japanese control alleles (Kawamura et al., 2013) and was not observed in approximately 6,300 individuals of European and African American ancestry in the NHLBI Exome Sequencing Project, indicating it is not a common benign variant in these populations. Missense variants affecting the same residue (A2387P, A2387T) and nearby residues (N2386I, Y2392C, A2394G) have been reported in the Human Gene Mutation Database in association with arrhythmia (Stenson et al., 2014), supporting the functional importance of this residue and region of the protein. This substitution occurs at a position that is conserved across species and in silico analysis predicts this variant is probably damaging to the protein structure/function. Additionally, the A2387V variant is located in the central domain, one of the three hot-spot regions of the RYR2 gene where the majority of pathogenic missense variants occur (Medeiros-Domingo et al., 2009). However, the A2387V variant is a conservative amino acid substitution, which is not likely to impact secondary protein structure as these residues share similar properties. Furthermore, to our knowledge no studies have been performed to determine the functional effect of the A2387V variant.Therefore, this variant is likely pathogenic.

Literature cited by the submitters: PubMed 20106799 (cited by 3 submitters); PubMed 23595086 (cited by 3 submitters); PubMed 28237968 (cited by 3 submitters); PubMed 29434162 (cited by Ambry Genetics and Victorian Clinical Genetics Services, Murdoch Childrens Research Institute); PubMed 29453246 (cited by Ambry Genetics and Victorian Clinical Genetics Services, Murdoch Childrens Research Institute); PubMed 16188589 (cited by Labcorp Genetics (formerly Invitae), Labcorp); PubMed 19398665 (cited by Labcorp Genetics (formerly Invitae), Labcorp); PubMed 28600387 (cited by Labcorp Genetics (formerly Invitae), Labcorp); PubMed 12459180 (cited by Victorian Clinical Genetics Services, Murdoch Childrens Research Institute); PubMed 22221940 (cited by Victorian Clinical Genetics Services, Murdoch Childrens Research Institute); PubMed 23549275 (cited by Victorian Clinical Genetics Services, Murdoch Childrens Research Institute); PubMed 27538377 (cited by Victorian Clinical Genetics Services, Murdoch Childrens Research Institute); PubMed 27646203 (cited by Victorian Clinical Genetics Services, Murdoch Childrens Research Institute); PubMed 29477366 (cited by Victorian Clinical Genetics Services, Murdoch Childrens Research Institute); PubMed 31875585 (cited by Victorian Clinical Genetics Services, Murdoch Childrens Research Institute); PubMed 33500567 (cited by Victorian Clinical Genetics Services, Murdoch Childrens Research Institute).